The following is an entry in ClinVar:

ClinVar aggregate classification (germline): Pathogenic (3 of 4 stars; one submission).

Conditions:
Juvenile retinoschisis (RS1). Also called: X-linked retinoschisis; X-Linked Juvenile Retinoschisis. Identifiers: Orphanet 792, MedGen C3714753, MONDO:0010725, OMIM 312700.

Submission:

ClinGen X-linked Inherited Retinal Disease Variant Curation Expert Panel, ClinGen
Classification: Pathogenic for Juvenile retinoschisis. Last evaluated: 2026-09-26. Review status: reviewed by expert panel. Criteria: ClinGen X LinkedIRD ACMG Specifications RS1 V1.0.0. Collection method: curation. Allele origin: germline. Inheritance: X-linked inheritance.
Comment: NM_000330.4(RS1):c.49G>T (p.Glu17Ter) is a nonsense variant that introduces a premature stop codon in exon 1 of 6 and is predicted to trigger nonsense-mediated decay (PVS1). This variant is absent from hemizygous individuals in gnomAD v4.1.0 (PM2_Supporting). At least one proband harboring this variant exhibits a phenotype that includes the appearance of schisis and reduced visual acuity before age 13 years, which together are specific for X-linked retinoschisis (PMID: 30652005, PP4). In summary, this variant is classified as pathogenic for X-linked retinoschisis based on the ClinGen X-linked Inherited Retinal Disease Expert Panel Specifications to the ACMG/AMP Variant Interpretation Guidelines for RS1 Version 1.0.0: PM2_Supporting, PVS1, and PP4.

NM_000330.4(RS1):c.49G>T (p.Glu17Ter)

Gene: RS1 (retinoschisin 1; minus strand). Cytogenetic location: Xp22.13.
Variant type: single nucleotide variant.
Coding change: c.49G>T on transcript NM_000330.4 (MANE Select); coding-DNA position 49, G replaced by T.
Protein change: p.Glu17Ter; replaces glutamic acid 17 with a stop codon.
Molecular consequence: nonsense.
Genome position (GRCh38, 1-based): chrX:18,672,020, C>A on the plus strand (G>T on the coding strand, the complement: RS1 is on the minus strand). VCF-style: chrX-18672020-C-A. GRCh37 (hg19) VCF-style: chrX-18690140-C-A.
Other names: NM_000330.4:c.49G>T; short protein forms E17*.
Identifiers: ClinVar variation 4976890 (VCV004976890.1).
Genomic context (GRCh38, chrX:18,672,020, plus strand): 5'-ATTAATTAAATTATGTATTAAGTATGCAATGAATGTCAATGGTTGAATAGCACATACCTT[C>A]ATAGCCAAAGAGAAGTAATAACAAAAAGCCTTCTATCTTGCGTGACATCTTCCCCTCGTC-3'